The following is an entry in ClinVar:

ClinVar aggregate classification (germline): Likely benign. Review status: criteria provided, multiple submitters, no conflicts (2 of 4 stars). 2 submissions from 2 submitters: Likely benign (2). Last evaluated 2025-11-14.

Conditions:
Hereditary diffuse gastric adenocarcinoma (HDGC). Also called: DIFFUSE GASTRIC AND LOBULAR BREAST CANCER SYNDROME. Identifiers: Orphanet 26106, MedGen C1708349, MONDO:0007648, OMIM 137215.

Allele frequency attached by ClinVar (database versions not stated): gnomAD exomes below 0.00001; ExAC 0.00001; gnomAD 0.00001; TOPMed 0.00002; ESP Exome Variant Server 0.00008.
gnomAD v4.1: 3 of 1,481,794 alleles (0.0002%); highest among the groups gnomAD compares: African/African-American, 0.0041%; no homozygotes.

Submissions (2):

Labcorp Genetics (formerly Invitae), Labcorp
Classification: Likely benign. Last evaluated: 2025-11-14. Review status: criteria provided, single submitter. Criteria: Invitae Variant Classification Sherloc (09022015). Collection method: clinical testing. Allele origin: germline.

Myriad Genetics, Inc.
Classification: Likely benign for Hereditary diffuse gastric adenocarcinoma. Last evaluated: 2024-10-14. Review status: criteria provided, single submitter. Criteria: Myriad Autosomal Dominant, Autosomal Recessive and X-Linked Classification Criteria (2023). Collection method: clinical testing. Allele origin: unknown.
Comment: This variant is considered likely benign. This variant is intronic and is not expected to impact mRNA splicing.

NM_001903.5(CTNNA1):c.1900-9G>C

Gene: CTNNA1 (catenin alpha 1; plus strand). Cytogenetic location: 5q31.2.
Variant type: single nucleotide variant.
Coding change: c.1900-9G>C on transcript NM_001903.5 (MANE Select); 9 bases into the intron before coding-DNA position 1900, G replaced by C.
Molecular consequence: intron variant.
Genome position (GRCh38, 1-based): chr5:138,929,237, G>C. VCF-style: chr5-138929237-G-C. GRCh37 (hg19) VCF-style: chr5-138264926-G-C.
Other names: c.1900-9G>C (NM_001323982.2, NM_001323984.2, NM_001290307.3 and 2 more transcripts); c.1807-9G>C (NM_001323986.2); c.1531-9G>C (NM_001290310.3); c.1591-9G>C (NM_001290309.3); c.790-9G>C (NM_001323996.1, NM_001323993.1, NM_001324005.1 and 17 more transcripts); c.451-9G>C (NM_001324007.1, NM_001324009.1, NM_001324006.1 and 2 more transcripts); c.547-9G>C (NM_001324013.1, NM_001324012.1); c.697-9G>C (NM_001324011.1).
Identifiers: ClinVar variation 2178957 (VCV002178957.5), dbSNP rs372481021, ClinGen allele CA3432068.